The following is an entry in ClinVar:

ClinVar aggregate classification (germline): Benign/Likely benign. Review status: criteria provided, multiple submitters, no conflicts (2 of 4 stars). 3 submissions from 3 submitters: Benign (1); Likely benign (2). Last evaluated 2026-06-16.

Conditions:
Polyps, multiple and recurrent inflammatory fibroid, gastrointestinal. Identifiers: MedGen C5193005, MONDO:0008285, OMIM 175510.
Gastrointestinal stromal tumor. Also called: Gastrointestinal stromal tumor, somatic; Gastrointestinal stroma tumor. Identifiers: Orphanet 44890, MedGen C0238198, MeSH D046152, MONDO:0011719, OMIM 606764, HP:0100723.
Hereditary cancer-predisposing syndrome. Also called: Tumor predisposition; Neoplastic Syndromes, Hereditary; Hereditary Cancer Syndrome; Hereditary neoplastic syndrome. Identifiers: Orphanet 140162, MedGen C0027672, MeSH D009386, MONDO:0015356.

Allele frequency attached by ClinVar (database versions not stated): TOPMed below 0.00001.

Submissions (3):

Myriad Genetics, Inc.
Classification: Benign for Polyps, multiple and recurrent inflammatory fibroid, gastrointestinal. Last evaluated: 2026-06-16. Review status: criteria provided, single submitter. Criteria: Myriad Autosomal Dominant, Autosomal Recessive and X-Linked Classification Criteria (2023). Collection method: clinical testing. Allele origin: unknown.
Comment: This variant is considered benign. This variant is a silent/synonymous amino acid change and it is not expected to impact splicing.

Labcorp Genetics (formerly Invitae), Labcorp
Classification: Likely benign for Gastrointestinal stromal tumor. Last evaluated: 2025-02-20. Review status: criteria provided, single submitter. Criteria: Invitae Variant Classification Sherloc (09022015). Collection method: clinical testing. Allele origin: germline.

Ambry Genetics
Classification: Likely benign for Hereditary cancer-predisposing syndrome. Last evaluated: 2020-01-12. Review status: criteria provided, single submitter. Criteria: Ambry Variant Classification Scheme 2023. Collection method: clinical testing. Allele origin: germline.

NM_006206.6(PDGFRA):c.876C>T (p.Ala292=)

Gene: PDGFRA (platelet derived growth factor receptor alpha; plus strand). Cytogenetic location: 4q12.
Variant type: single nucleotide variant.
Coding change: c.876C>T on transcript NM_006206.6 (MANE Select); coding-DNA position 876, C replaced by T.
Protein change: p.Ala292=; no amino-acid change (alanine 292 retained).
Molecular consequence: synonymous variant.
Genome position (GRCh38, 1-based): chr4:54,267,405, C>T. VCF-style: chr4-54267405-C-T. GRCh37 (hg19) VCF-style: chr4-55133572-C-T.
Other names: c.876C>T, p.Ala292= (NM_001347827.2, NM_001347829.2); c.951C>T, p.Ala317= (NM_001347828.2); c.915C>T, p.Ala305= (NM_001347830.2).
Identifiers: ClinVar variation 1550186 (VCV001550186.11), dbSNP rs1723091147, ClinGen allele CA439286306.